The following is an entry in ClinVar:

ClinVar aggregate classification (germline): Benign. Review status: criteria provided, multiple submitters, no conflicts (2 of 4 stars). 2 submissions from 2 submitters: Benign (2). Last evaluated 2024-01-24.

Submissions (2):

Unidad de Genómica Garrahan, Hospital de Pediatría Garrahan
Classification: Benign. Last evaluated: 2024-01-24. Review status: criteria provided, single submitter. Criteria: ACMG Guidelines, 2015. Collection method: clinical testing. Allele origin: germline. Affected: no. Observed: 38 variant alleles.
Comment: This variant is classified as Benign based on local population frequency. This variant was detected in 40% of patients studied by a panel of primary immunodeficiencies. Number of patients: 38. Only high quality variants are reported.

GeneDx
Classification: Benign. Last evaluated: 2015-03-03. Review status: criteria provided, single submitter. Criteria: GeneDx Variant Classification Process June 2021. Collection method: clinical testing. Allele origin: germline. Affected: yes.

NM_006846.4(SPINK5):c.883-76_883-75insAATTT

Gene: SPINK5 (serine peptidase inhibitor Kazal type 5; plus strand). Cytogenetic location: 5q32.
Variant type: Insertion.
Coding change: c.883-76_883-75insAATTT on transcript NM_006846.4 (MANE Select); 76 bases into the intron before coding-DNA position 883 through 75 bases into the intron before coding-DNA position 883, AATTT inserted.
Molecular consequence: intron variant.
Genome position: GRCh38 VCF-style: chr5-148097788-T-TTTTAA. GRCh37 (hg19) VCF-style: chr5-147477351-T-TTTTAA.
Other names: c.883-76_883-75insAATTT (NM_001127698.2, NM_001127699.2).
Identifiers: ClinVar variation 1227634 (VCV001227634.5), dbSNP rs55959555, ClinGen allele CA128915833.
Genomic context (GRCh38, chr5:148,097,788, plus strand): 5'-TCACAATTTTTGGATGGTCCTAAATCTTAAAAGTTTTATTTTTCATCCTTAATTTCTCTT[T>TTTTAA]TTTCTTTGTAAAATAACATTTAACATTCATACATAGAAAACAGAACTATATCTCAACTTT-3'